The following is an entry in ClinVar:

NM_001161352.2(KCNMA1):c.2977A>G (p.Ile993Val)

Genes: KCNMA1 (potassium calcium-activated channel subfamily M alpha 1; minus strand), KCNMA1-AS1 (KCNMA1 antisense RNA 1; plus strand). Cytogenetic location: 10q22.3.
Variant type: single nucleotide variant.
Coding change: c.2977A>G on transcript NM_001161352.2 (MANE Select); coding-DNA position 2977, A replaced by G.
Protein change: p.Ile993Val; replaces isoleucine 993 with valine.
Molecular consequence: missense variant.
Genome position (GRCh38, 1-based): chr10:76,914,975, T>C on the plus strand (A>G on the coding strand, the complement: KCNMA1 is on the minus strand). VCF-style: chr10-76914975-T-C. GRCh37 (hg19) VCF-style: chr10-78674733-T-C.
Other names: c.2815A>G, p.Ile939Val (NM_001014797.3, NM_001322835.2, NM_001322837.2); c.2926A>G, p.Ile976Val (NM_001161353.2); c.2653A>G, p.Ile885Val (NM_001271518.2); c.2812A>G, p.Ile938Val (NM_001271519.2, NM_001322829.2, NM_001322836.2); c.2824A>G, p.Ile942Val (NM_001322830.2); c.2803A>G, p.Ile935Val (NM_001322832.2, NM_001410940.1, NM_002247.4); c.2350A>G, p.Ile784Val (NM_001322838.2); short protein forms I938V, I942V, I935V, I993V, I784V, I976V, I885V, I939V.
Identifiers: ClinVar variation 1918236 (VCV001918236.5), dbSNP rs2052162769, ClinGen allele CA377404300.

ClinVar aggregate classification (germline): Uncertain significance (1 of 4 stars; one submission).

Conditions:
Generalized epilepsy-paroxysmal dyskinesia syndrome (PNKD3). Also called: Generalized epilepsy and paroxysmal dyskinesia; Paroxysmal nonkinesigenic dyskinesia, 3, with or without generalized epilepsy. Identifiers: Orphanet 79137, MedGen C5574945, MONDO:0012276, OMIM 609446.

Allele frequency attached by ClinVar (database versions not stated): gnomAD exomes below 0.00001; gnomAD 0.00001.
gnomAD v4.1: 3 of 1,613,598 alleles (0.00019%); highest among the groups gnomAD compares: South Asian, 0.0022%; no homozygotes.

Submission:

Labcorp Genetics (formerly Invitae), Labcorp
Classification: Uncertain significance for Generalized epilepsy-paroxysmal dyskinesia syndrome. Last evaluated: 2022-01-03. Review status: criteria provided, single submitter. Criteria: Invitae Variant Classification Sherloc (09022015). Collection method: clinical testing. Allele origin: germline.
Comment: In summary, the available evidence is currently insufficient to determine the role of this variant in disease. Therefore, it has been classified as a Variant of Uncertain Significance. Algorithms developed to predict the effect of missense changes on protein structure and function (SIFT, PolyPhen-2, Align-GVGD) all suggest that this variant is likely to be tolerated. This variant has not been reported in the literature in individuals affected with KCNMA1-related conditions. This variant is not present in population databases (gnomAD no frequency). This sequence change replaces isoleucine, which is neutral and non-polar, with valine, which is neutral and non-polar, at codon 935 of the KCNMA1 protein (p.Ile935Val).